The following is an entry in ClinVar:

ClinVar aggregate classification (germline): Likely benign (1 of 4 stars; one submission).

Allele frequency attached by ClinVar (database versions not stated): gnomAD 0.00004; gnomAD exomes 0.00004; TOPMed 0.00005.
gnomAD v4.1: 69 of 1,606,814 alleles (0.0043%); highest among the groups gnomAD compares: Middle Eastern, 0.017%; no homozygotes.

Submission:

CeGaT Center for Human Genetics Tuebingen
Classification: Likely benign. Last evaluated: 2025-09-01. Review status: criteria provided, single submitter. Criteria: CeGaT Center For Human Genetics Tuebingen Variant Classification Criteria Version 2. Collection method: clinical testing. Allele origin: germline. Affected: yes. Observed: 2 variant alleles.
Comment: UGDH: BP4, BP7

NM_003359.4(UGDH):c.921T>C (p.Asn307=)

Gene: UGDH (UDP-glucose 6-dehydrogenase; minus strand). Cytogenetic location: 4p14.
Variant type: single nucleotide variant.
Coding change: c.921T>C on transcript NM_003359.4 (MANE Select); coding-DNA position 921, T replaced by C.
Protein change: p.Asn307=; no amino-acid change (asparagine 307 retained).
Molecular consequence: synonymous variant.
Genome position (GRCh38, 1-based): chr4:39,505,734, A>G on the plus strand (T>C on the coding strand, the complement: UGDH is on the minus strand). VCF-style: chr4-39505734-A-G. GRCh37 (hg19) VCF-style: chr4-39507354-A-G.
Other names: c.720T>C, p.Asn240= (NM_001184700.2); c.630T>C, p.Asn210= (NM_001184701.2).
Identifiers: ClinVar variation 2654731 (VCV002654731.24), dbSNP rs1377344342, ClinGen allele CA438954850.
Genomic context (GRCh38, chr4:39,505,734, plus strand): 5'-AGTTACTGTATTAAACAGACTATCTATGATCCGGGAAGCAAACCTCCTCCTCTGGTAGTC[A>G]TTCATGTCTATGACCTGAAATTACATGTACAATTGTGCAATGATTAGTTAAAAGAGGCAC-3'
Protein context (NP_003350.1, residues 297-317): ARYWQQVIDM[Asn307=]DYQRRRFASR